The following is an entry in ClinVar:

NM_000051.4(ATM):c.2487dup (p.Phe830fs)

Gene: ATM (ATM serine/threonine kinase; plus strand). Cytogenetic location: 11q22.3.
Variant type: Duplication.
Coding change: c.2487dup on transcript NM_000051.4 (MANE Select); coding-DNA position 2487, one base duplicated (A; older notation c.2487dupA).
Protein change: p.Phe830fs; shifts the reading frame from phenylalanine 830.
Molecular consequence: frameshift variant.
Genome position (GRCh38, 1-based): chr11:108,267,191, A duplicated. VCF-style (leftmost placement, unchanged base first): chr11-108267190-C-CA. GRCh37 (hg19) VCF-style: chr11-108137917-C-CA.
Other names: c.2487dup, p.Phe830fs (NM_001351834.2); short protein forms F830fs.
Identifiers: ClinVar variation 1075821 (VCV001075821.7), dbSNP rs2135505571, ClinGen allele CA2499220579.

ClinVar aggregate classification (germline): Pathogenic (1 of 4 stars; one submission).

Conditions:
Ataxia-telangiectasia syndrome (AT). Also called: Cerebello-oculocutaneous telangiectasia; Immunodeficiency with ataxia telangiectasia; ATAXIA-TELANGIECTASIA, FRESNO VARIANT; Ataxia-telangiectasia, complementation group D; Ataxia telangiectasia (A-T); LOUIS-BAR SYNDROME. Identifiers: Orphanet 100, MedGen C0004135, MONDO:0008840, OMIM 208900.

Submission:

Labcorp Genetics (formerly Invitae), Labcorp
Classification: Pathogenic for Ataxia-telangiectasia syndrome. Last evaluated: 2020-04-08. Review status: criteria provided, single submitter. Criteria: Invitae Variant Classification Sherloc (09022015). Collection method: clinical testing. Allele origin: germline.
Comment: This sequence change creates a premature translational stop signal (p.Phe830Ilefs*2) in the ATM gene. It is expected to result in an absent or disrupted protein product. This variant is not present in population databases (ExAC no frequency). This variant has not been reported in the literature in individuals with ATM-related conditions. Loss-of-function variants in ATM are known to be pathogenic (PMID: 23807571, 25614872). For these reasons, this variant has been classified as Pathogenic.

Literature cited by the submitters: PubMed 23807571; PubMed 25614872.